The following is an entry in ClinVar:

NM_001042492.3(NF1):c.791C>T (p.Ala264Val)

Gene: NF1 (neurofibromin 1; plus strand). Cytogenetic location: 17q11.2.
Variant type: single nucleotide variant.
Coding change: c.791C>T on transcript NM_001042492.3 (MANE Select); coding-DNA position 791, C replaced by T.
Protein change: p.Ala264Val; replaces alanine 264 with valine.
Molecular consequence: missense variant.
Genome position (GRCh38, 1-based): chr17:31,182,568, C>T. VCF-style: chr17-31182568-C-T. GRCh37 (hg19) VCF-style: chr17-29509586-C-T.
Other names: c.791C>T, p.Ala264Val (NM_000267.4, NM_001128147.3); short protein forms A264V.
Identifiers: ClinVar variation 1475466 (VCV001475466.8), dbSNP rs2143785708, ClinGen allele CA398990864.

ClinVar aggregate classification (germline): Uncertain significance (1 of 4 stars; one submission).

Conditions:
Neurofibromatosis, type 1 (NF1). Also called: Neurofibromatosis, type I; VON RECKLINGHAUSEN DISEASE; NEUROFIBROMATOSIS, TYPE I, SOMATIC; Peripheral type neurofibromatosis. Identifiers: Orphanet 636, MedGen C0027831, MONDO:0018975, OMIM 162200. Disease mechanism: loss of function.

Submission:

Labcorp Genetics (formerly Invitae), Labcorp
Classification: Uncertain significance for Neurofibromatosis, type 1. Last evaluated: 2025-02-26. Review status: criteria provided, single submitter. Criteria: Invitae Variant Classification Sherloc (09022015). Collection method: clinical testing. Allele origin: germline.
Comment: This sequence change replaces alanine, which is neutral and non-polar, with valine, which is neutral and non-polar, at codon 264 of the NF1 protein (p.Ala264Val). This variant is not present in population databases (gnomAD no frequency). This variant has not been reported in the literature in individuals affected with NF1-related conditions. ClinVar contains an entry for this variant (Variation ID: 1475466). Invitae Evidence Modeling of protein sequence and biophysical properties (such as structural, functional, and spatial information, amino acid conservation, physicochemical variation, residue mobility, and thermodynamic stability) indicates that this missense variant is expected to disrupt NF1 protein function with a positive predictive value of 80%. In summary, the available evidence is currently insufficient to determine the role of this variant in disease. Therefore, it has been classified as a Variant of Uncertain Significance.